The following is an entry in ClinVar:

NM_000321.3(RB1):c.-85G>A

Gene: RB1 (RB transcriptional corepressor 1; plus strand). Cytogenetic location: 13q14.2.
Variant type: single nucleotide variant.
Coding change: c.-85G>A on transcript NM_000321.3 (MANE Select); 85 bases upstream of the start codon, G replaced by A.
Molecular consequence: 5 prime UTR variant.
Genome position (GRCh38, 1-based): chr13:48,303,828, G>A. VCF-style: chr13-48303828-G-A. GRCh37 (hg19) VCF-style: chr13-48877964-G-A.
Other names: c.-85G>A (NM_001407165.1, NM_001407166.1, NM_001407167.1).
Identifiers: ClinVar variation 4721189 (VCV004721189.1).

ClinVar aggregate classification (germline): Uncertain significance (1 of 4 stars; one submission).

Conditions:
Retinoblastoma (RB1). Also called: RETINOBLASTOMA, SOMATIC. Identifiers: Orphanet 790, MedGen C0035335, MeSH D012175, MONDO:0008380, OMIM 180200, HP:0009919. Disease mechanism: loss of function. Inheritance: Both sporadic and heritable forms are tested..

gnomAD v4.1: 1 of 1,477,818 alleles (0.000068%); highest among the groups gnomAD compares: Non-Finnish European, 0.000089%; no homozygotes.

Submission:

Labcorp Genetics (formerly Invitae), Labcorp
Classification: Uncertain significance for Retinoblastoma. Last evaluated: 2025-06-11. Review status: criteria provided, single submitter. Criteria: Invitae Variant Classification Sherloc (09022015). Collection method: clinical testing. Allele origin: germline.
Comment: This variant occurs in a non-coding region of the RB1 gene. It does not change the encoded amino acid sequence of the RB1 protein. This variant is not present in population databases (gnomAD no frequency). This variant has not been reported in the literature in individuals affected with RB1-related conditions. In summary, the available evidence is currently insufficient to determine the role of this variant in disease. Therefore, it has been classified as a Variant of Uncertain Significance.